The following is an entry in ClinVar:

ClinVar aggregate classification (germline): Uncertain significance (1 of 4 stars; one submission).

Conditions:
Combined immunodeficiency due to LRBA deficiency. Also called: Common variable immunodeficiency 8, with autoimmunity. Identifiers: Orphanet 445018, MedGen C3553512, MONDO:0013863, OMIM 614700.

Submission:

Labcorp Genetics (formerly Invitae), Labcorp
Classification: Uncertain significance for Combined immunodeficiency due to LRBA deficiency. Last evaluated: 2019-11-25. Review status: criteria provided, single submitter. Criteria: Invitae Variant Classification Sherloc (09022015). Collection method: clinical testing. Allele origin: germline.
Comment: In summary, the available evidence is currently insufficient to determine the role of this variant in disease. Therefore, it has been classified as a Variant of Uncertain Significance. This sequence change replaces threonine with alanine at codon 2778 of the LRBA protein (p.Thr2778Ala). The threonine residue is moderately conserved and there is a small physicochemical difference between threonine and alanine. This variant is not present in population databases (ExAC no frequency). This variant has not been reported in the literature in individuals with LRBA-related conditions. Algorithms developed to predict the effect of missense changes on protein structure and function are either unavailable or do not agree on the potential impact of this missense change (SIFT: "Tolerated"; PolyPhen-2: "Possibly Damaging"; Align-GVGD: "Class C0").

NM_001364905.1(LRBA):c.8299A>G (p.Thr2767Ala)

Gene: LRBA (LPS responsive beige-like anchor protein; minus strand). Cytogenetic location: 4q31.3.
Variant type: single nucleotide variant.
Coding change: c.8299A>G on transcript NM_001364905.1 (MANE Select); coding-DNA position 8299, A replaced by G.
Protein change: p.Thr2767Ala; replaces threonine 2767 with alanine.
Molecular consequence: missense variant.
Genome position (GRCh38, 1-based): chr4:150,282,467, T>C on the plus strand (A>G on the coding strand, the complement: LRBA is on the minus strand). VCF-style: chr4-150282467-T-C. GRCh37 (hg19) VCF-style: chr4-151203619-T-C.
Other names: c.8296A>G, p.Thr2766Ala (NM_001199282.3); c.8314A>G, p.Thr2772Ala (NM_001367550.1); c.8332A>G, p.Thr2778Ala (NM_006726.5); short protein forms T2766A, T2772A, T2778A, T2767A.
Identifiers: ClinVar variation 856341 (VCV000856341.9), dbSNP rs1747664379, ClinGen allele CA358439886.